The following is an entry in ClinVar:

ClinVar aggregate classification (germline): Uncertain significance. Review status: criteria provided, multiple submitters, no conflicts (2 of 4 stars). 3 submissions from 3 submitters: Uncertain significance (3). Last evaluated 2024-08-06.

Conditions:
Malignant hyperthermia, susceptibility to, 1 (MHS1). Also called: Anesthesia related hyperthermia; Malignant hyperpyrexia; Fulminating hyperpyrexia; Pharmacogenic myopathy; RYR1-Related Malignant Hyperthermia Susceptibility; Malignant hyperthermia suceptibility 1. Identifiers: Orphanet 423, MedGen C2930980, MONDO:0007783, OMIM 145600.
RYR1-related disorder. Also called: RYR1-related condition; RYR1-related disorders. Identifiers: MedGen CN239331.

Allele frequency attached by ClinVar (database versions not stated): gnomAD exomes below 0.00001; TOPMed below 0.00001.
gnomAD v4.1: 6 of 1,613,498 alleles (0.00037%); highest among the groups gnomAD compares: African/African-American, 0.0013%; no homozygotes.

Submissions (3):

All of Us Research Program, National Institutes of Health
Classification: Uncertain significance for Malignant hyperthermia, susceptibility to, 1. Last evaluated: 2024-08-06. Review status: criteria provided, single submitter. Criteria: ACMG Guidelines, 2015. Collection method: clinical testing. Allele origin: germline. Inheritance: Autosomal dominant inheritance. Observed: 1 variant allele, 1 heterozygote.
Comment: This study involves interpretation of variants in research participants for the purpose of population health screening. Participant phenotype was not available at the time of variant classification. Additional details can be found in publication PMID: 35346344, PMCID: PMC8962531

Labcorp Genetics (formerly Invitae), Labcorp
Classification: Uncertain significance for RYR1-related disorder. Last evaluated: 2023-11-27. Review status: criteria provided, single submitter. Criteria: Invitae Variant Classification Sherloc (09022015). Collection method: clinical testing. Allele origin: germline.
Comment: This sequence change replaces glutamine, which is neutral and polar, with arginine, which is basic and polar, at codon 1002 of the RYR1 protein (p.Gln1002Arg). This variant is not present in population databases (gnomAD no frequency). This variant has not been reported in the literature in individuals affected with RYR1-related conditions. Advanced modeling of protein sequence and biophysical properties (such as structural, functional, and spatial information, amino acid conservation, physicochemical variation, residue mobility, and thermodynamic stability) has been performed at Invitae for this missense variant, however the output from this modeling did not meet the statistical confidence thresholds required to predict the impact of this variant on RYR1 protein function. In summary, the available evidence is currently insufficient to determine the role of this variant in disease. Therefore, it has been classified as a Variant of Uncertain Significance.

PreventionGenetics, part of Exact Sciences
Classification: Uncertain significance for RYR1-related condition. Last evaluated: 2023-10-01. Review status: criteria provided, single submitter. Criteria: ACMG Guidelines, 2015. Collection method: clinical testing. Allele origin: germline.
Comment: The RYR1 c.3005A>G variant is predicted to result in the amino acid substitution p.Gln1002Arg. To our knowledge, this variant has not been reported in the literature or in a large population database, indicating this variant is rare. At this time, the clinical significance of this variant is uncertain due to the absence of conclusive functional and genetic evidence.

NM_000540.3(RYR1):c.3005A>G (p.Gln1002Arg)

Gene: RYR1 (ryanodine receptor 1; plus strand). Cytogenetic location: 19q13.2.
Variant type: single nucleotide variant.
Coding change: c.3005A>G on transcript NM_000540.3 (MANE Select); coding-DNA position 3005, A replaced by G.
Protein change: p.Gln1002Arg; replaces glutamine 1002 with arginine.
Molecular consequence: missense variant.
Genome position (GRCh38, 1-based): chr19:38,466,225, A>G. VCF-style: chr19-38466225-A-G. GRCh37 (hg19) VCF-style: chr19-38956865-A-G.
Other names: c.3005A>G, p.Gln1002Arg (NM_001042723.2); short protein forms Q1002R.
Identifiers: ClinVar variation 2633940 (VCV002633940.5), dbSNP rs1968095750, ClinGen allele CA405635003.